The following is an entry in ClinVar:

NM_001379200.1(TBX1):c.1393C>G (p.His465Asp)

Gene: TBX1 (T-box transcription factor 1; plus strand). Cytogenetic location: 22q11.21.
Variant type: single nucleotide variant.
Coding change: c.1393C>G on transcript NM_001379200.1 (MANE Select); coding-DNA position 1393, C replaced by G.
Protein change: p.His465Asp; replaces histidine 465 with aspartic acid.
Molecular consequence: missense variant. On other transcripts: intron variant (2).
Genome position (GRCh38, 1-based): chr22:19,766,745, C>G. VCF-style: chr22-19766745-C-G. GRCh37 (hg19) VCF-style: chr22-19754268-C-G.
Other names: c.1366C>G, p.His456Asp (NM_080647.1); c.1009+743C>G (NM_005992.1, NM_080646.2); short protein forms H456D, H465D.
Identifiers: ClinVar variation 1487873 (VCV001487873.6), dbSNP rs2145839292, ClinGen allele CA410685284.

ClinVar aggregate classification (germline): Uncertain significance (1 of 4 stars; one submission).

Conditions:
DiGeorge syndrome. Also called: THIRD AND FOURTH PHARYNGEAL POUCH SYNDROME; Catch22. Identifiers: Orphanet 567, MedGen C0012236, MONDO:0008564, OMIM 188400.

Submission:

Labcorp Genetics (formerly Invitae), Labcorp
Classification: Uncertain significance for DiGeorge syndrome. Last evaluated: 2023-10-13. Review status: criteria provided, single submitter. Criteria: Invitae Variant Classification Sherloc (09022015). Collection method: clinical testing. Allele origin: germline.
Comment: This sequence change replaces histidine, which is basic and polar, with aspartic acid, which is acidic and polar, at codon 456 of the TBX1 protein (p.His456Asp). This variant is not present in population databases (gnomAD no frequency). This variant has not been reported in the literature in individuals affected with TBX1-related conditions. ClinVar contains an entry for this variant (Variation ID: 1487873). An algorithm developed to predict the effect of missense changes on protein structure and function (PolyPhen-2) suggests that this variant is likely to be tolerated. In summary, the available evidence is currently insufficient to determine the role of this variant in disease. Therefore, it has been classified as a Variant of Uncertain Significance.